The following is an entry in ClinVar:

ClinVar aggregate classification (germline): Uncertain significance (1 of 4 stars; one submission).

Conditions:
Capillary malformation-arteriovenous malformation syndrome. Also called: Capillary malformation-arteriovenous malformation. Identifiers: Orphanet 137667, MedGen C1842180, MONDO:0012016.

Allele frequency attached by ClinVar (database versions not stated): gnomAD exomes below 0.00001; gnomAD 0.00001; TOPMed below 0.00001.
gnomAD v4.1: 3 of 1,609,028 alleles (0.00019%); highest among the groups gnomAD compares: Middle Eastern, 0.017%; no homozygotes.

Submission:

Labcorp Genetics (formerly Invitae), Labcorp
Classification: Uncertain significance for Capillary malformation-arteriovenous malformation syndrome. Last evaluated: 2022-11-16. Review status: criteria provided, single submitter. Criteria: Invitae Variant Classification Sherloc (09022015). Collection method: clinical testing. Allele origin: germline.
Comment: This sequence change replaces proline, which is neutral and non-polar, with leucine, which is neutral and non-polar, at codon 648 of the RASA1 protein (p.Pro648Leu). This variant is not present in population databases (gnomAD no frequency). This variant has not been reported in the literature in individuals affected with RASA1-related conditions. ClinVar contains an entry for this variant (Variation ID: 950091). Algorithms developed to predict the effect of missense changes on protein structure and function (SIFT, PolyPhen-2, Align-GVGD) all suggest that this variant is likely to be tolerated. In summary, the available evidence is currently insufficient to determine the role of this variant in disease. Therefore, it has been classified as a Variant of Uncertain Significance.

NM_002890.3(RASA1):c.1943C>T (p.Pro648Leu)

Genes: CCNH (cyclin H; minus strand), RASA1 (RAS p21 protein activator 1; plus strand). Cytogenetic location: 5q14.3.
Variant type: single nucleotide variant.
Coding change: c.1943C>T on transcript NM_002890.3 (MANE Select); coding-DNA position 1943, C replaced by T.
Protein change: p.Pro648Leu; replaces proline 648 with leucine.
Molecular consequence: missense variant. On other transcripts: intron variant (1).
Genome position (GRCh38, 1-based): chr5:87,374,848, C>T. VCF-style: chr5-87374848-C-T. GRCh37 (hg19) VCF-style: chr5-86670665-C-T.
Other names: c.1412C>T, p.Pro471Leu (NM_022650.3); c.933+20196G>A (NM_001364075.2); short protein forms P471L, P648L.
Identifiers: ClinVar variation 950091 (VCV000950091.10), dbSNP rs1761214742, ClinGen allele CA360375826.
Genomic context (GRCh38, chr5:87,374,848, plus strand): 5'-GTAGTTTGATGCCAAAACATTTTGTTAATTCTTTTTCTCCTTGCTCCTTTAGTGATCTTC[C>T]TCCTGACATCAATAGATTTGAAATAACTCTTAGTAATAAAACAAAGAAAAGCAAAGATCC-3'
Protein context (NP_002881.1, residues 638-658): WSEEFVFDDL[Pro648Leu]PDINRFEITL